The following is an entry in ClinVar:

ClinVar aggregate classification (germline): Uncertain significance (1 of 4 stars; one submission).

Submission:

GeneDx
Classification: Uncertain significance. Last evaluated: 2025-04-24. Review status: criteria provided, single submitter. Criteria: GeneDx Variant Classification Process June 2021. Collection method: clinical testing. Allele origin: germline. Affected: yes.
Comment: Not observed at significant frequency in large population cohorts (gnomAD); In silico analysis supports that this missense variant has a deleterious effect on protein structure/function; Has not been previously published as pathogenic or benign to our knowledge

NM_172362.3(KCNH1):c.821T>C (p.Val274Ala)

Gene: KCNH1 (potassium voltage-gated channel subfamily H member 1; minus strand). Cytogenetic location: 1q32.2.
Variant type: single nucleotide variant.
Coding change: c.821T>C on transcript NM_172362.3 (MANE Select); coding-DNA position 821, T replaced by C.
Protein change: p.Val274Ala; replaces valine 274 with alanine.
Molecular consequence: missense variant.
Genome position (GRCh38, 1-based): chr1:211,018,994, A>G on the plus strand (T>C on the coding strand, the complement: KCNH1 is on the minus strand). VCF-style: chr1-211018994-A-G. GRCh37 (hg19) VCF-style: chr1-211192336-A-G.
Other names: c.821T>C, p.Val274Ala (NM_002238.4); short protein forms V274A.
Identifiers: ClinVar variation 2575881 (VCV002575881.2), dbSNP rs2526596397, ClinGen allele CA344875980.